The following is an entry in ClinVar:

ClinVar aggregate classification (germline): Uncertain significance. Review status: criteria provided, multiple submitters, no conflicts (2 of 4 stars). 3 submissions from 3 submitters: Uncertain significance (3). Last evaluated 2024-12-02.

Conditions:
Hereditary cancer-predisposing syndrome. Also called: Tumor predisposition; Neoplastic Syndromes, Hereditary; Hereditary Cancer Syndrome; Hereditary neoplastic syndrome. Identifiers: Orphanet 140162, MedGen C0027672, MeSH D009386, MONDO:0015356.
Gastrointestinal stromal tumor. Also called: Gastrointestinal stroma tumor; Gastrointestinal stromal tumor, somatic. Identifiers: Orphanet 44890, MedGen C0238198, MeSH D046152, MONDO:0011719, OMIM 606764, HP:0100723.

Submissions (3):

Labcorp Genetics (formerly Invitae), Labcorp
Classification: Uncertain significance for Gastrointestinal stromal tumor. Last evaluated: 2024-12-02. Review status: criteria provided, single submitter. Criteria: Invitae Variant Classification Sherloc (09022015). Collection method: clinical testing. Allele origin: germline.
Comment: This sequence change replaces aspartic acid, which is acidic and polar, with glutamic acid, which is acidic and polar, at codon 1069 of the PDGFRA protein (p.Asp1069Glu). This variant is not present in population databases (gnomAD no frequency). This variant has not been reported in the literature in individuals affected with PDGFRA-related conditions. ClinVar contains an entry for this variant (Variation ID: 1706274). An algorithm developed to predict the effect of missense changes on protein structure and function (PolyPhen-2) suggests that this variant is likely to be disruptive. In summary, the available evidence is currently insufficient to determine the role of this variant in disease. Therefore, it has been classified as a Variant of Uncertain Significance.

Ambry Genetics
Classification: Uncertain significance for Hereditary cancer-predisposing syndrome. Last evaluated: 2023-12-08. Review status: criteria provided, single submitter. Criteria: Ambry Variant Classification Scheme 2023. Collection method: clinical testing. Allele origin: germline.
Comment: The p.D1069E variant (also known as c.3207C>G), located in coding exon 22 of the PDGFRA gene, results from a C to G substitution at nucleotide position 3207. The aspartic acid at codon 1069 is replaced by glutamic acid, an amino acid with highly similar properties. This amino acid position is conserved. In addition, the in silico prediction for this alteration is inconclusive. Since supporting evidence is limited at this time, the clinical significance of this alteration remains unclear.

GeneDx
Classification: Uncertain significance. Last evaluated: 2022-03-18. Review status: criteria provided, single submitter. Criteria: GeneDx Variant Classification Process June 2021. Collection method: clinical testing. Allele origin: germline. Affected: yes.
Comment: Not observed at significant frequency in large population cohorts (gnomAD); In silico analysis supports that this missense variant does not alter protein structure/function; Has not been previously published as pathogenic or benign to our knowledge

NM_006206.6(PDGFRA):c.3207C>G (p.Asp1069Glu)

Gene: PDGFRA (platelet derived growth factor receptor alpha; plus strand). Cytogenetic location: 4q12.
Variant type: single nucleotide variant.
Coding change: c.3207C>G on transcript NM_006206.6 (MANE Select); coding-DNA position 3207, C replaced by G.
Protein change: p.Asp1069Glu; replaces aspartic acid 1069 with glutamic acid.
Molecular consequence: missense variant.
Genome position (GRCh38, 1-based): chr4:54,295,209, C>G. VCF-style: chr4-54295209-C-G. GRCh37 (hg19) VCF-style: chr4-55161376-C-G.
Other names: c.3282C>G, p.Asp1094Glu (NM_001347828.2); c.3207C>G, p.Asp1069Glu (NM_001347829.2); c.3246C>G, p.Asp1082Glu (NM_001347830.2); short protein forms D1069E, D1082E, D1094E.
Identifiers: ClinVar variation 1706274 (VCV001706274.7), dbSNP rs1724823579, ClinGen allele CA356896627.